The following is an entry in ClinVar:

ClinVar aggregate classification (germline): Uncertain significance (1 of 4 stars; one submission).

Submission:

Ambry Genetics
Classification: Uncertain significance. Last evaluated: 2025-02-21. Review status: criteria provided, single submitter. Criteria: Ambry Variant Classification Scheme 2023. Collection method: clinical testing. Allele origin: germline.
Comment: The p.A206T variant (also known as c.616G>A), located in coding exon 3 of the GFI1 gene, results from a G to A substitution at nucleotide position 616. The alanine at codon 206 is replaced by threonine, an amino acid with similar properties. This amino acid position is conserved. In addition, this alteration is predicted to be tolerated by in silico analysis. Based on the available evidence, the clinical significance of this variant remains unclear.

NM_005263.5(GFI1):c.616G>A (p.Ala206Thr)

Gene: GFI1 (growth factor independent 1 transcriptional repressor; minus strand). Cytogenetic location: 1p22.1.
Variant type: single nucleotide variant.
Coding change: c.616G>A on transcript NM_005263.5 (MANE Select); coding-DNA position 616, G replaced by A.
Protein change: p.Ala206Thr; replaces alanine 206 with threonine.
Molecular consequence: missense variant.
Genome position (GRCh38, 1-based): chr1:92,480,771, C>T on the plus strand (G>A on the coding strand, the complement: GFI1 is on the minus strand). VCF-style: chr1-92480771-C-T. GRCh37 (hg19) VCF-style: chr1-92946328-C-T.
Other names: c.616G>A, p.Ala206Thr (NM_001127215.3, NM_001127216.3); short protein forms A206T.
Identifiers: ClinVar variation 3853727 (VCV003853727.1).